The following is an entry in ClinVar:

NM_006031.6(PCNT):c.7246C>A (p.Pro2416Thr)

Gene: PCNT (pericentrin; plus strand). Cytogenetic location: 21q22.3.
Variant type: single nucleotide variant.
Coding change: c.7246C>A on transcript NM_006031.6 (MANE Select); coding-DNA position 7246, C replaced by A.
Protein change: p.Pro2416Thr; replaces proline 2416 with threonine.
Molecular consequence: missense variant.
Genome position (GRCh38, 1-based): chr21:46,425,897, C>A. VCF-style: chr21-46425897-C-A. GRCh37 (hg19) VCF-style: chr21-47845811-C-A.
Other names: c.6892C>A, p.Pro2298Thr (NM_001315529.2); c.7246C>A (NM_006031.5); short protein forms P2416T, P2298T.
Identifiers: ClinVar variation 1920773 (VCV001920773.7), dbSNP rs576796827, ClinGen allele CA10080581.
Genomic context (GRCh38, chr21:46,425,897, plus strand): 5'-CTGCAGATGGTGCGTGACGAGAGCCACCAGATCCTGGCGCTGTCAGAAGGCCTTGCACCC[C>A]CAAGCGGCGAGCCACACCCACCCCGGAAGGAAGACGAGATACAGGACATCTCGCTCCATG-3'
Protein context (NP_006022.3, residues 2406-2426): ILALSEGLAP[Pro2416Thr]SGEPHPPRKE

ClinVar aggregate classification (germline): Conflicting classifications of pathogenicity. Review status: criteria provided, conflicting classifications (1 of 4 stars). 4 submissions from 4 submitters: Uncertain significance (2); Likely benign (1). 1 of the submissions does not count toward it. Last evaluated 2026-07-01.

Conditions:
Inborn genetic diseases. Identifiers: MedGen C0950123, MeSH D030342.
PCNT-related disorder. Also called: PCNT-related condition.

gnomAD v4.1: 51 of 1,613,752 alleles (0.0032%); highest among the groups gnomAD compares: South Asian, 0.036%; no homozygotes.

Submissions (4):

CeGaT Center for Human Genetics Tuebingen
Classification: Likely benign. Last evaluated: 2026-07-01. Review status: criteria provided, single submitter. Criteria: CeGaT Center For Human Genetics Tuebingen Variant Classification Criteria Version 2. Collection method: clinical testing. Allele origin: germline. Affected: yes. Observed: 1 variant allele.
Comment: PCNT: BP4

Ambry Genetics
Classification: Uncertain significance for Inborn genetic diseases. Last evaluated: 2025-09-01. Review status: criteria provided, single submitter. Criteria: Ambry Variant Classification Scheme 2023. Collection method: clinical testing. Allele origin: germline.

Labcorp Genetics (formerly Invitae), Labcorp
Classification: Uncertain significance. Last evaluated: 2022-10-07. Review status: criteria provided, single submitter. Criteria: Invitae Variant Classification Sherloc (09022015). Collection method: clinical testing. Allele origin: germline.
Comment: This sequence change replaces proline, which is neutral and non-polar, with threonine, which is neutral and polar, at codon 2416 of the PCNT protein (p.Pro2416Thr). This variant is present in population databases (rs576796827, gnomAD 0.04%). This variant has not been reported in the literature in individuals affected with PCNT-related conditions. Algorithms developed to predict the effect of missense changes on protein structure and function (SIFT, PolyPhen-2, Align-GVGD) all suggest that this variant is likely to be tolerated. In summary, the available evidence is currently insufficient to determine the role of this variant in disease. Therefore, it has been classified as a Variant of Uncertain Significance.

PreventionGenetics, part of Exact Sciences
Classification: Uncertain significance for PCNT-related condition. Last evaluated: 2024-01-31. Review status: no assertion criteria provided. Collection method: clinical testing. Allele origin: germline. Not counted in ClinVar's aggregate classification.
Comment: The PCNT c.7246C>A variant is predicted to result in the amino acid substitution p.Pro2416Thr. To our knowledge, this variant has not been reported in the literature. This variant is reported in 0.039% of alleles in individuals of South Asian descent in gnomAD. At this time, the clinical significance of this variant is uncertain due to the absence of conclusive functional and genetic evidence.